The following is an entry in ClinVar:

NM_001370259.2(MEN1):c.1295T>C (p.Leu432Pro)

Gene: MEN1 (menin 1; minus strand). Cytogenetic location: 11q13.1.
Variant type: single nucleotide variant.
Coding change: c.1295T>C on transcript NM_001370259.2 (MANE Select); coding-DNA position 1295, T replaced by C.
Protein change: p.Leu432Pro; replaces leucine 432 with proline.
Molecular consequence: missense variant.
Genome position (GRCh38, 1-based): chr11:64,805,089, A>G on the plus strand (T>C on the coding strand, the complement: MEN1 is on the minus strand). VCF-style: chr11-64805089-A-G. GRCh37 (hg19) VCF-style: chr11-64572561-A-G.
Other names: c.1310T>C, p.Leu437Pro (NM_000244.4, NM_130800.3, NM_130801.3 and 3 more transcripts); c.1421T>C, p.Leu474Pro (NM_001370251.2); c.1295T>C, p.Leu432Pro (NM_001370260.2, NM_001370261.2, NM_130799.3); c.1190T>C, p.Leu397Pro (NM_001370262.2, NM_001370263.2); short protein forms L397P, L432P, L437P, L474P.
Identifiers: ClinVar variation 1331367 (VCV001331367.5), dbSNP rs2136100876, ClinGen allele CA381180264.

ClinVar aggregate classification (germline): Conflicting classifications of pathogenicity. Review status: criteria provided, conflicting classifications (1 of 4 stars). 2 submissions from 2 submitters: Likely pathogenic (1); Uncertain significance (1). Last evaluated 2024-08-21.

Conditions:
Hereditary cancer-predisposing syndrome. Also called: Tumor predisposition; Hereditary Cancer Syndrome; Neoplastic Syndromes, Hereditary; Hereditary neoplastic syndrome. Identifiers: Orphanet 140162, MedGen C0027672, MeSH D009386, MONDO:0015356.

Submissions (2):

Ambry Genetics
Classification: Likely pathogenic for Hereditary cancer-predisposing syndrome. Last evaluated: 2024-08-21. Review status: criteria provided, single submitter. Criteria: Ambry Variant Classification Scheme 2023. Collection method: clinical testing. Allele origin: germline.
Comment: The p.L432P variant (also known as c.1295T>C), located in coding exon 8 of the MEN1 gene, results from a T to C substitution at nucleotide position 1295. The leucine at codon 432 is replaced by proline, an amino acid with similar properties. This variant has been observed in at least one individual with a personal and/or family history that is consistent with multiple endocrine neoplasia type 1 (Ambry internal data). This amino acid position is highly conserved in available vertebrate species. In addition, this alteration is predicted to be deleterious by in silico analysis. Based on the majority of available evidence to date, this variant is likely to be pathogenic.

Women's Health and Genetics/Laboratory Corporation of America, LabCorp
Classification: Uncertain significance. Last evaluated: 2021-12-06. Review status: criteria provided, single submitter. Criteria: LabCorp Variant Classification Summary - May 2015. Collection method: clinical testing. Allele origin: germline.